The following is an entry in ClinVar:

NM_001365276.2(TNXB):c.5377G>A (p.Gly1793Ser)

Gene: TNXB (tenascin XB; minus strand). Cytogenetic location: 6p21.33.
Variant type: single nucleotide variant.
Coding change: c.5377G>A on transcript NM_001365276.2 (MANE Select); coding-DNA position 5377, G replaced by A.
Protein change: p.Gly1793Ser; replaces glycine 1793 with serine.
Molecular consequence: missense variant.
Genome position (GRCh38, 1-based): chr6:32,069,763, C>T on the plus strand (G>A on the coding strand, the complement: TNXB is on the minus strand). VCF-style: chr6-32069763-C-T. GRCh37 (hg19) VCF-style: chr6-32037540-C-T.
Other names: c.5377G>A, p.Gly1793Ser (NM_019105.8); short protein forms G1793S.
Identifiers: ClinVar variation 2451130 (VCV002451130.3), dbSNP rs771949119, ClinGen allele CA3734718.

ClinVar aggregate classification (germline): Uncertain significance. Review status: criteria provided, multiple submitters, no conflicts (2 of 4 stars). 2 submissions from 2 submitters: Uncertain significance (2). Last evaluated 2026-02-03.

Conditions:
Cardiovascular phenotype. Identifiers: MedGen CN230736.

Allele frequency attached by ClinVar (database versions not stated): ExAC 0.00001; gnomAD exomes 0.00003.
gnomAD v4.1: 39 of 1,610,078 alleles (0.0024%); highest among the groups gnomAD compares: Non-Finnish European, 0.0033%; no homozygotes.

Submissions (2):

Women's Health and Genetics/Laboratory Corporation of America, LabCorp
Classification: Uncertain significance. Last evaluated: 2026-02-03. Review status: criteria provided, single submitter. Criteria: LabCorp Variant Classification Summary - May 2015. Collection method: clinical testing. Allele origin: germline.
Comment: Variant summary: TNXB c.5377G>A (p.Gly1793Ser) results in a non-conservative amino acid change in the encoded protein sequence. Algorithms developed to predict the effect of missense changes on protein structure and function are either unavailable or do not agree on the potential impact of this missense change. The variant allele was found at a frequency of 4e-06 in 247758 control chromosomes. The available data on variant occurrences in the general population are insufficient to allow any conclusion about variant significance. To our knowledge, no occurrence of c.5377G>A in individuals affected with TNXB-related conditions and no experimental evidence demonstrating its impact on protein function have been reported. ClinVar contains an entry for this variant (Variation ID: 2451130). Based on the evidence outlined above, the variant was classified as uncertain significance.

Ambry Genetics
Classification: Uncertain significance for Cardiovascular phenotype. Last evaluated: 2022-12-06. Review status: criteria provided, single submitter. Criteria: Ambry Variant Classification Scheme 2023. Collection method: clinical testing. Allele origin: germline.
Comment: The p.G1793S variant (also known as c.5377G>A), located in coding exon 14 of the TNXB gene, results from a G to A substitution at nucleotide position 5377. The glycine at codon 1793 is replaced by serine, an amino acid with similar properties. This amino acid position is conserved. In addition, this alteration is predicted to be tolerated by in silico analysis. Since supporting evidence is limited at this time, the clinical significance of this alteration remains unclear.